The following is an entry in ClinVar:

ClinVar aggregate classification (germline): Likely pathogenic. Review status: reviewed by expert panel (3 of 4 stars). 2 submissions from 2 submitters: Likely pathogenic (1). 1 of the submissions does not count toward it. Last evaluated 2024-07-03.

Conditions:
Hereditary antithrombin deficiency (AT3D). Also called: Antithrombin III deficiency; Thrombophilia due to antithrombin III deficiency; Reduced antithrombin III activity; Antithrombin deficiency. Identifiers: Orphanet 82, MedGen C0272375, MONDO:0013144, OMIM 613118, HP:0001976.

Submissions (2):

Clingen Thrombosis Variant Curation Expert Panel, ClinGen
Classification: Likely pathogenic for Hereditary antithrombin deficiency. Last evaluated: 2024-07-03. Review status: reviewed by expert panel. Criteria: ClinGen ACMG Specifications SERPINC1 V1.0.0. Collection method: curation. Allele origin: germline. Inheritance: Autosomal dominant inheritance.
Comment: The c.1274G>C variant in SERPINC1 is a missense variant predicted to cause substitution of arginine by proline at amino acid 425 (p.Arg425Pro). This variant has been reported in one proband meeting an antithrombin activity level of < 0.8 IU/mL with a family history of antithrombin activity levels of < 0.8 IU/mL (PS4_Supporting; PMID:3828226, 2722864). The variant has been reported to segregate with hereditary antithrombin deficiency in seven affected meioses from the proband's family (PP1_Moderate; PMID: 3828226). The computational predictor REVEL gives a score of 0.878, which is above the threshold of 0.6, evidence that correlates with impact to SERPINC1 function (PP3). Another missense variant c.1274G>A (p.Arg425His) (ClinVarID:18019) in the same codon has been classified as pathogenic for hereditary antithrombin deficiency by the ClinGen Thrombosis VCEP (PM5). This variant is absent from gnomAD v2.1.1 and v3.1.2 (PM2_Supporting). In summary, this variant meets the criteria to be classified as likely pathogenic for autosomal dominant hereditary antithrombin deficiency based on the ACMG/AMP criteria applied, as specified by the ClinGen Thrombosis VCEP: PM2_Supporting, PS4_Supporting, PP3, PM5, PP1_Moderate.

OMIM
Classification: Pathogenic for THROMBOPHILIA DUE TO ANTITHROMBIN III DEFICIENCY. Last evaluated: 1989-01-01. Review status: no assertion criteria provided. Collection method: literature only. Allele origin: germline. Not counted in ClinVar's aggregate classification.

Literature cited by the submitters: PubMed 3828226 (cited by OMIM); PubMed 2917133 (cited by OMIM).

NM_000488.4(SERPINC1):c.1274G>C (p.Arg425Pro)

Gene: SERPINC1 (serpin family C member 1; minus strand). Cytogenetic location: 1q25.1.
Variant type: single nucleotide variant.
Coding change: c.1274G>C on transcript NM_000488.4 (MANE Select); coding-DNA position 1274, G replaced by C.
Protein change: p.Arg425Pro; replaces arginine 425 with proline.
Molecular consequence: missense variant.
Genome position (GRCh38, 1-based): chr1:173,904,010, C>G on the plus strand (G>C on the coding strand, the complement: SERPINC1 is on the minus strand). VCF-style: chr1-173904010-C-G. GRCh37 (hg19) VCF-style: chr1-173873148-C-G.
Other names: R393P; NM_000488.4(SERPINC1):c.1274G>C; c.1130G>C, p.Arg377Pro (NM_001365052.2); c.1397G>C, p.Arg466Pro (NM_001386302.1); c.1355G>C, p.Arg452Pro (NM_001386303.1); c.1253G>C, p.Arg418Pro (NM_001386304.1); c.1217G>C, p.Arg406Pro (NM_001386305.1); c.1058G>C, p.Arg353Pro (NM_001386306.1); short protein forms R425P, R377P, R353P, R406P, R418P, R452P, R466P.
Identifiers: ClinVar variation 18009 (VCV000018009.2), dbSNP rs121909549, ClinGen allele CA210752.